The following is an entry in ClinVar:

ClinVar aggregate classification (germline): Uncertain significance. Review status: criteria provided, multiple submitters, no conflicts (2 of 4 stars). 2 submissions from 2 submitters: Uncertain significance (2). Last evaluated 2022-07-19.

Conditions:
Microcephaly and chorioretinopathy 1. Also called: Microcephaly and chorioretinopathy, autosomal recessive, 1. Identifiers: MedGen C3278481, MONDO:0009624, OMIM 251270.

Allele frequency attached by ClinVar (database versions not stated): gnomAD exomes 0.00001; ExAC 0.00001; TOPMed 0.00002.
gnomAD v4.1: 19 of 1,532,062 alleles (0.0012%); highest among the groups gnomAD compares: East Asian, 0.0072%; no homozygotes.

Submissions (2):

Labcorp Genetics (formerly Invitae), Labcorp
Classification: Uncertain significance. Last evaluated: 2022-07-19. Review status: criteria provided, single submitter. Criteria: Invitae Variant Classification Sherloc (09022015). Collection method: clinical testing. Allele origin: germline.
Comment: This sequence change replaces serine, which is neutral and polar, with leucine, which is neutral and non-polar, at codon 1334 of the TUBGCP6 protein (p.Ser1334Leu). This variant is present in population databases (rs778863982, gnomAD 0.006%). This variant has not been reported in the literature in individuals affected with TUBGCP6-related conditions. ClinVar contains an entry for this variant (Variation ID: 1004125). Algorithms developed to predict the effect of missense changes on protein structure and function output the following: SIFT: "Deleterious"; PolyPhen-2: "Benign"; Align-GVGD: "Class C0". The leucine amino acid residue is found in multiple mammalian species, which suggests that this missense change does not adversely affect protein function. In summary, the available evidence is currently insufficient to determine the role of this variant in disease. Therefore, it has been classified as a Variant of Uncertain Significance.

Baylor Genetics
Classification: Uncertain significance for Microcephaly and chorioretinopathy 1. Last evaluated: 2019-08-05. Review status: criteria provided, single submitter. Criteria: ACMG Guidelines, 2015. Collection method: clinical testing. Allele origin: unknown. Affected: yes.
Comment: This variant was determined to be of uncertain significance according to ACMG Guidelines, 2015 [PMID:25741868].

NM_020461.4(TUBGCP6):c.4001C>T (p.Ser1334Leu)

Gene: TUBGCP6 (tubulin gamma complex component 6; minus strand). Cytogenetic location: 22q13.33.
Variant type: single nucleotide variant.
Coding change: c.4001C>T on transcript NM_020461.4 (MANE Select); coding-DNA position 4001, C replaced by T.
Protein change: p.Ser1334Leu; replaces serine 1334 with leucine.
Molecular consequence: missense variant.
Genome position (GRCh38, 1-based): chr22:50,220,358, G>A on the plus strand (C>T on the coding strand, the complement: TUBGCP6 is on the minus strand). VCF-style: chr22-50220358-G-A. GRCh37 (hg19) VCF-style: chr22-50658787-G-A.
Other names: short protein forms S1334L.
Identifiers: ClinVar variation 1004125 (VCV001004125.8), dbSNP rs778863982, ClinGen allele CA10307765.
Genomic context (GRCh38, chr22:50,220,358, plus strand): 5'-TGGGTGGGAGCCACGTCTGACACGTTCTCCCCCACGCTGATGCTCCCCTCCCCGCAGCCC[G>A]AGCTGGGGGAGGACAGAGATGGCCCCACTTCTACAGGCAGCCGTGGCCCACAGTCCAGCA-3'
Protein context (NP_065194.3, residues 1324-1344): EVGPSLSSPS[Ser1334Leu]GCGEGSISVG